The following is an entry in ClinVar:

NM_133444.3(ZNF526):c.452C>T (p.Ser151Leu)

Gene: ZNF526 (zinc finger protein 526; plus strand). Cytogenetic location: 19q13.2.
Variant type: single nucleotide variant.
Coding change: c.452C>T on transcript NM_133444.3 (MANE Select); coding-DNA position 452, C replaced by T.
Protein change: p.Ser151Leu; replaces serine 151 with leucine.
Molecular consequence: missense variant.
Genome position (GRCh38, 1-based): chr19:42,224,855, C>T. VCF-style: chr19-42224855-C-T. GRCh37 (hg19) VCF-style: chr19-42729007-C-T.
Other names: c.452C>T, p.Ser151Leu (NM_001314033.3); short protein forms S151L.
Identifiers: ClinVar variation 3776543 (VCV003776543.1).

ClinVar aggregate classification (germline): Uncertain significance (1 of 4 stars; one submission).

Submission:

GeneDx
Classification: Uncertain significance. Last evaluated: 2024-10-02. Review status: criteria provided, single submitter. Criteria: GeneDx Variant Classification Process June 2021. Collection method: clinical testing. Allele origin: germline. Affected: yes.
Comment: In silico analysis supports that this missense variant has a deleterious effect on protein structure/function; Has not been previously published as pathogenic or benign to our knowledge